The following is an entry in ClinVar:

ClinVar aggregate classification (germline): Uncertain significance (1 of 4 stars; one submission).

Conditions:
Familial colorectal cancer. Identifiers: MedGen CN280943, MONDO:0023113. Disease mechanism: loss of function.

Submission:

Labcorp Genetics (formerly Invitae), Labcorp
Classification: Uncertain significance for Familial colorectal cancer. Last evaluated: 2022-07-31. Review status: criteria provided, single submitter. Criteria: Invitae Variant Classification Sherloc (09022015). Collection method: clinical testing. Allele origin: germline.
Comment: In summary, the available evidence is currently insufficient to determine the role of this variant in disease. Therefore, it has been classified as a Variant of Uncertain Significance. Two different tandem duplications (40 kb and 16 kb) spanning the 3' end of the SCG5 gene and the region upstream of the GREM1 gene have been reported in families with hereditary mixed polyposis syndrome (PMID: 22561515, 25992589, 26493165). However, the gain identified in this individual is different from those variants, and therefore the impact of the additional duplicated sequences on GREM1 expression and function has not been established. A gross duplication of the genomic region encompassing the promoter of the GREM1 gene has been identified. The precise boundaries of this event are unknown.

Literature cited by the submitters: PubMed 22561515; PubMed 25992589; PubMed 26493165.

NC_000015.9:g.(?_32964889)_(32976890_?)dup

Genes: GREM1 (gremlin 1, DAN family BMP antagonist; plus strand), SCG5 (secretogranin V; plus strand). Cytogenetic location: 15q13.3.
Variant type: Duplication.
Identifiers: ClinVar variation 2425853 (VCV002425853.4).